The following is an entry in ClinVar:

NM_000169.3(GLA):c.611G>T (p.Trp204Leu)

Genes: GLA (galactosidase alpha; minus strand), RPL36A-HNRNPH2 (RPL36A-HNRNPH2 readthrough; plus strand). Cytogenetic location: Xq22.1.
Variant type: single nucleotide variant.
Coding change: c.611G>T on transcript NM_000169.3 (MANE Select); coding-DNA position 611, G replaced by T.
Protein change: p.Trp204Leu; replaces tryptophan 204 with leucine.
Molecular consequence: missense variant. On other transcripts: non-coding transcript variant (2), intron variant (2).
Genome position (GRCh38, 1-based): chrX:101,400,694, C>A on the plus strand (G>T on the coding strand, the complement: GLA is on the minus strand). VCF-style: chrX-101400694-C-A. GRCh37 (hg19) VCF-style: chrX-100655682-C-A.
Other names: c.734G>T, p.Trp245Leu (NM_001406747.1); c.611G>T, p.Trp204Leu (NM_001406748.1); c.300+5237C>A (NM_001199973.2); c.177+8872C>A (NM_001199974.2); short protein forms W204L, W245L.
Identifiers: ClinVar variation 4087433 (VCV004087433.2).

ClinVar aggregate classification (germline): Uncertain significance (1 of 4 stars; one submission).

Conditions:
Fabry disease. Also called: ALPHA-GALACTOSIDASE A DEFICIENCY; ANDERSON-FABRY DISEASE; CERAMIDE TRIHEXOSIDASE DEFICIENCY; GLA DEFICIENCY; HEREDITARY DYSTOPIC LIPIDOSIS; Angiokeratoma corporis diffusum. Identifiers: Orphanet 324, MedGen C0002986, MONDO:0010526, OMIM 301500, HP:0001071. Disease mechanism: Fabry disease is due to inactivating mutations in the X-linked GLA gene resulting in deficiency of the enzyme Alpha Galactosidase-A., loss of function.

Submission:

Genomenon, Inc
Classification: Uncertain significance for Fabry disease. Last evaluated: 2026-09-08. Review status: criteria provided, single submitter. Criteria: Genomenon Sequence Variant Interpretation Standards - Updated. Collection method: curation. Allele origin: germline. Affected: yes.
Comment: GLA p.Trp204Leu (c.611G>T) is a missense variant that changes the amino acid at codon 204 from Tryptophan to Leucine. This variant has been observed in at least one proband with clinical features consistent with Fabry disease (PMID:28672034). It is absent or not present at a significant frequency in gnomAD. In silico models predict that this variant is possibly or probably damaging. In conclusion, we classify GLA p.Trp204Leu (c.611G>T) as a variant of uncertain significance.

Literature cited by the submitters: PubMed 28672034.